The following is an entry in ClinVar:

NM_006044.4(HDAC6):c.2723A>C (p.Asp908Ala)

Gene: HDAC6 (histone deacetylase 6; plus strand). Cytogenetic location: Xp11.23.
Variant type: single nucleotide variant.
Coding change: c.2723A>C on transcript NM_006044.4 (MANE Select); coding-DNA position 2723, A replaced by C.
Protein change: p.Asp908Ala; replaces aspartic acid 908 with alanine.
Molecular consequence: missense variant. On other transcripts: non-coding transcript variant (1).
Genome position (GRCh38, 1-based): chrX:48,823,122, A>C. VCF-style: chrX-48823122-A-C. GRCh37 (hg19) VCF-style: chrX-48681532-A-C.
Other names: c.2765A>C, p.Asp922Ala (NM_001321225.2); c.2723A>C, p.Asp908Ala (NM_001321226.2, NM_001321227.2, NM_001321228.2 and 1 more transcripts); short protein forms D908A, D922A.
Identifiers: ClinVar variation 4820208 (VCV004820208.1).

ClinVar aggregate classification (germline): Likely benign (1 of 4 stars; one submission).

Conditions:
X-linked dominant chondrodysplasia, Chassaing-Lacombe type. Also called: Chondrodysplasia with platyspondyly, distinctive brachydactyly, hydrocephaly, and microphthalmia. Identifiers: Orphanet 163966, MedGen C3275476, MONDO:0010463, OMIM 300863.

Submission:

Centre for Medical Genetics,  Mumbai
Classification: Likely benign for X-linked dominant chondrodysplasia, Chassaing-Lacombe type. Last evaluated: 2026-03-24. Review status: criteria provided, single submitter. Criteria: ACMG Guidelines, 2015. Collection method: provider interpretation. Allele origin: germline. Inheritance: X-linked dominant inheritance. Affected: no. Observed: 1 variant allele, 1 heterozygote.
Comment: The variant satisfies PM2 criteria; Extremely low frequency in gnomAD population databases. The variant satisfies PP2 criteria; Missense variant in a gene with low rate of benign missense mutations and for which missense mutation is a common mechanism of a disease. The variant satisfies BP4 criteria; For a missense or a splice region variant, computational prediction tools unanimously support a benign effect on the gene. However, the variant satisfies BS2 criteria; present in heterozygous state in an individual that clinically does not have Chondrodysplasia with platyspondyly, distinctive brachydactyly, hydrocephaly, and microphthalmia.

Literature cited by the submitters: PubMed 20181727.